The following is an entry in ClinVar:

ClinVar aggregate classification (germline): Benign. Review status: criteria provided, multiple submitters, no conflicts (2 of 4 stars). 4 submissions from 4 submitters: Benign (3). 1 of the submissions does not count toward it. Last evaluated 2024-02-01.

Conditions:
COL15A1-related disorder. Also called: COL15A1-related condition.

Allele frequency attached by ClinVar (database versions not stated): 1000 Genomes Project 0.00519; 1000 Genomes Project 30x 0.00547; gnomAD 0.00708 and 0.00724; ExAC 0.00765; TOPMed 0.00773; gnomAD exomes 0.00820 and 0.00976; ESP Exome Variant Server 0.00846.
gnomAD v4.1: 15,430 of 1,613,260 alleles (0.96%); highest among the groups gnomAD compares: Non-Finnish European, 1.1%; 103 homozygotes.

Submissions (4):

CeGaT Center for Human Genetics Tuebingen
Classification: Benign. Last evaluated: 2024-02-01. Review status: criteria provided, single submitter. Criteria: CeGaT Center For Human Genetics Tuebingen Variant Classification Criteria Version 2. Collection method: clinical testing. Allele origin: germline. Affected: yes. Observed: 1 variant allele.
Comment: COL15A1: BP4, BP7, BS1, BS2

Labcorp Genetics (formerly Invitae), Labcorp
Classification: Benign. Last evaluated: 2018-07-31. Review status: criteria provided, single submitter. Criteria: Invitae Variant Classification Sherloc (09022015). Collection method: clinical testing. Allele origin: germline.

Breakthrough Genomics
Classification: Benign. Review status: criteria provided, single submitter. Criteria: ACMG Guidelines, 2015. Collection method: not provided. Allele origin: germline. Inheritance: Unknown mechanism. Affected: yes.

PreventionGenetics, part of Exact Sciences
Classification: Benign for COL15A1-related condition. Last evaluated: 2019-03-05. Review status: no assertion criteria provided. Collection method: clinical testing. Allele origin: germline. Not counted in ClinVar's aggregate classification.
Comment: This variant is classified as benign based on ACMG/AMP sequence variant interpretation guidelines (Richards et al. 2015 PMID: 25741868, with internal and published modifications).

NM_001855.5(COL15A1):c.654C>T (p.Ser218=)

Gene: COL15A1 (collagen type XV alpha 1 chain; plus strand). Cytogenetic location: 9q22.33.
Variant type: single nucleotide variant.
Coding change: c.654C>T on transcript NM_001855.5 (MANE Select); coding-DNA position 654, C replaced by T.
Protein change: p.Ser218=; no amino-acid change (serine 218 retained).
Molecular consequence: synonymous variant.
Genome position (GRCh38, 1-based): chr9:98,987,299, C>T. VCF-style: chr9-98987299-C-T. GRCh37 (hg19) VCF-style: chr9-101749581-C-T.
Identifiers: ClinVar variation 771879 (VCV000771879.27), dbSNP rs80261930, ClinGen allele CA5154616.
Genomic context (GRCh38, chr9:98,987,299, plus strand): 5'-GCAGTCATGCTGTGTACGTGCAAACCGTGGCTTCTGATCCGTCTCTTTTCCCCAGGGCTC[C>T]CTCCAGCAGCTCACCGTGCACCCCGACCCCAGGACTCCCGAGGAGCTGTGTGACCCTGAA-3'
Protein context (NP_001846.3, residues 208-228): GATGLERFTG[Ser218=]LQQLTVHPDP